The following is an entry in ClinVar:

ClinVar aggregate classification (germline): Benign/Likely benign. Review status: criteria provided, multiple submitters, no conflicts (2 of 4 stars). 4 submissions from 4 submitters: Benign (1); Likely benign (2). 1 of the submissions does not count toward it. Last evaluated 2026-01-27.

Conditions:
Weaver syndrome (WVS). Also called: Weaver Smith syndrome; Overgrowth syndrome with accelerated skeletal maturation, unusual facies, and camptodactyly. Identifiers: Orphanet 3447, MedGen C0265210, MONDO:0010193, OMIM 277590.
EZH2-related disorder.

Submissions (4):

Labcorp Genetics (formerly Invitae), Labcorp
Classification: Benign for Weaver syndrome. Last evaluated: 2026-01-27. Review status: criteria provided, single submitter. Criteria: Invitae Variant Classification Sherloc (09022015). Collection method: clinical testing. Allele origin: germline.

Blueprint Genetics
Classification: Likely benign. Last evaluated: 2024-11-18. Review status: criteria provided, single submitter. Criteria: ACMG Guidelines, 2015. Collection method: clinical testing. Allele origin: germline.

GeneDx
Classification: Likely benign. Last evaluated: 2022-10-28. Review status: criteria provided, single submitter. Criteria: GeneDx Variant Classification Process June 2021. Collection method: clinical testing. Allele origin: germline. Affected: yes.
Comment: See Variant Classification Assertion Criteria.

PreventionGenetics, part of Exact Sciences
Classification: Benign for EZH2-related condition. Last evaluated: 2019-05-08. Review status: no assertion criteria provided. Collection method: clinical testing. Allele origin: germline. Not counted in ClinVar's aggregate classification.
Comment: This variant is classified as benign based on ACMG/AMP sequence variant interpretation guidelines (Richards et al. 2015 PMID: 25741868, with internal and published modifications).

NM_004456.5(EZH2):c.247-15dup

Gene: EZH2 (enhancer of zeste 2 polycomb repressive complex 2 subunit; minus strand). Cytogenetic location: 7q36.1.
Variant type: Duplication.
Coding change: c.247-15dup on transcript NM_004456.5 (MANE Select); 15 bases into the intron before coding-DNA position 247, one base duplicated (T; older notation c.247-15dupT).
Molecular consequence: intron variant.
Genome position (GRCh38, 1-based): chr7:148,832,760, A duplicated on the plus strand (T on the coding strand, the reverse complement: EZH2 is on the minus strand); the first of 6 consecutive A bases (chr7:148,832,760-148,832,765); duplicating any one gives the same sequence. VCF-style (leftmost placement, unchanged base first): chr7-148832759-G-GA. GRCh37 (hg19) VCF-style: chr7-148529851-G-GA.
Other names: c.220-15dup (NM_001203248.2, NM_001203249.2); c.247-2917dup (NM_152998.3); c.247-15dup (NM_001203247.2); c.247-10dupT (NM_004456.4).
Identifiers: ClinVar variation 239931 (VCV000239931.22), dbSNP rs557474218, ClinGen allele CA4548158.